The following is an entry in ClinVar:

NM_004525.3(LRP2):c.4798C>T (p.Pro1600Ser)

Gene: LRP2 (LDL receptor related protein 2; minus strand). Cytogenetic location: 2q31.1.
Variant type: single nucleotide variant.
Coding change: c.4798C>T on transcript NM_004525.3 (MANE Select); coding-DNA position 4798, C replaced by T.
Protein change: p.Pro1600Ser; replaces proline 1600 with serine.
Molecular consequence: missense variant.
Genome position (GRCh38, 1-based): chr2:169,235,962, G>A on the plus strand (C>T on the coding strand, the complement: LRP2 is on the minus strand). VCF-style: chr2-169235962-G-A. GRCh37 (hg19) VCF-style: chr2-170092472-G-A.
Other names: short protein forms P1600S.
Identifiers: ClinVar variation 1999984 (VCV001999984.4), dbSNP rs2105375315, ClinGen allele CA349142493.

ClinVar aggregate classification (germline): Uncertain significance (1 of 4 stars; one submission).

Submission:

Labcorp Genetics (formerly Invitae), Labcorp
Classification: Uncertain significance. Last evaluated: 2022-05-28. Review status: criteria provided, single submitter. Criteria: Invitae Variant Classification Sherloc (09022015). Collection method: clinical testing. Allele origin: germline.
Comment: In summary, the available evidence is currently insufficient to determine the role of this variant in disease. Therefore, it has been classified as a Variant of Uncertain Significance. Advanced modeling of protein sequence and biophysical properties (such as structural, functional, and spatial information, amino acid conservation, physicochemical variation, residue mobility, and thermodynamic stability) performed at Invitae indicates that this missense variant is expected to disrupt LRP2 protein function. This variant has not been reported in the literature in individuals affected with LRP2-related conditions. This variant is not present in population databases (gnomAD no frequency). This sequence change replaces proline, which is neutral and non-polar, with serine, which is neutral and polar, at codon 1600 of the LRP2 protein (p.Pro1600Ser).